The following is an entry in ClinVar:

ClinVar aggregate classification (germline): Uncertain significance. Review status: criteria provided, multiple submitters, no conflicts (2 of 4 stars). 3 submissions from 3 submitters: Uncertain significance (3). Last evaluated 2024-08-26.

Conditions:
ZCCHC8-related disorder. Also called: ZCCHC8-related condition.

Allele frequency attached by ClinVar (database versions not stated): gnomAD exomes 0.00001; TOPMed 0.00003; ExAC 0.00004; gnomAD 0.00005; 1000 Genomes Project 0.00040; 1000 Genomes Project 30x 0.00047.
gnomAD v4.1: 28 of 1,527,988 alleles (0.0018%); highest among the groups gnomAD compares: African/African-American, 0.019%; no homozygotes.

Submissions (3):

Ambry Genetics
Classification: Uncertain significance. Last evaluated: 2024-08-26. Review status: criteria provided, single submitter. Criteria: Ambry Variant Classification Scheme 2023. Collection method: clinical testing. Allele origin: germline.

Labcorp Genetics (formerly Invitae), Labcorp
Classification: Uncertain significance. Last evaluated: 2024-03-05. Review status: criteria provided, single submitter. Criteria: Invitae Variant Classification Sherloc (09022015). Collection method: clinical testing. Allele origin: germline.
Comment: This sequence change replaces arginine, which is basic and polar, with tryptophan, which is neutral and slightly polar, at codon 526 of the ZCCHC8 protein (p.Arg526Trp). This variant is present in population databases (rs538195616, gnomAD 0.007%). This variant has not been reported in the literature in individuals affected with ZCCHC8-related conditions. ClinVar contains an entry for this variant (Variation ID: 2628979). Advanced modeling of protein sequence and biophysical properties (such as structural, functional, and spatial information, amino acid conservation, physicochemical variation, residue mobility, and thermodynamic stability) performed at Invitae indicates that this missense variant is not expected to disrupt ZCCHC8 protein function with a negative predictive value of 80%. In summary, the available evidence is currently insufficient to determine the role of this variant in disease. Therefore, it has been classified as a Variant of Uncertain Significance.

PreventionGenetics, part of Exact Sciences
Classification: Uncertain significance for ZCCHC8-related condition. Last evaluated: 2023-02-16. Review status: criteria provided, single submitter. Criteria: ACMG Guidelines, 2015. Collection method: clinical testing. Allele origin: germline.
Comment: The ZCCHC8 c.1576C>T variant is predicted to result in the amino acid substitution p.Arg526Trp. To our knowledge, this variant has not been reported in the literature. This variant is reported in 0.0069% of alleles in individuals of European (Non-Finnish) descent in gnomAD. At this time, the clinical significance of this variant is uncertain due to the absence of conclusive functional and genetic evidence.

NM_017612.5(ZCCHC8):c.1576C>T (p.Arg526Trp)

Gene: ZCCHC8 (zinc finger CCHC-type containing 8; minus strand). Cytogenetic location: 12q24.31.
Variant type: single nucleotide variant.
Coding change: c.1576C>T on transcript NM_017612.5 (MANE Select); coding-DNA position 1576, C replaced by T.
Protein change: p.Arg526Trp; replaces arginine 526 with tryptophan.
Molecular consequence: missense variant.
Genome position (GRCh38, 1-based): chr12:122,474,045, G>A on the plus strand (C>T on the coding strand, the complement: ZCCHC8 is on the minus strand). VCF-style: chr12-122474045-G-A. GRCh37 (hg19) VCF-style: chr12-122958592-G-A.
Other names: c.1345C>T, p.Arg449Trp (NM_001350935.2); c.1279C>T, p.Arg427Trp (NM_001350936.2); c.862C>T, p.Arg288Trp (NM_001350937.2, NM_001350938.2); c.1576C>T (NM_017612.3); short protein forms R288W, R427W, R449W, R526W.
Identifiers: ClinVar variation 2628979 (VCV002628979.4), dbSNP rs538195616, ClinGen allele CA6846138.